The following is an entry in ClinVar:

NM_000444.6(PHEX):c.1949T>G (p.Leu650Arg)

Genes: PHEX (phosphate regulating endopeptidase X-linked; plus strand), PTCHD1-AS (PTCHD1 and PHEX antisense RNA; minus strand). Cytogenetic location: Xp22.11.
Variant type: single nucleotide variant.
Coding change: c.1949T>G on transcript NM_000444.6 (MANE Select); coding-DNA position 1949, T replaced by G.
Protein change: p.Leu650Arg; replaces leucine 650 with arginine.
Molecular consequence: missense variant.
Genome position (GRCh38, 1-based): chrX:22,226,492, T>G. VCF-style: chrX-22226492-T-G. GRCh37 (hg19) VCF-style: chrX-22244609-T-G.
Other names: c.1949T>G, p.Leu650Arg (NM_001282754.2); short protein forms L650R.
Identifiers: ClinVar variation 4797951 (VCV004797951.1).
Genomic context (GRCh38, chrX:22,226,492, plus strand): 5'-CTTTCTGTTAGGTCAAGGGGAAGAGGACCCTGGGAGAAAATATTGCTGATAATGGAGGCC[T>G]GCGGGAAGCTTTTAGGGTATGCGCTGCTACATTTACCGTGGTTCTAAAAATCAAGCCATA-3'
Protein context (NP_000435.3, residues 640-660): LGENIADNGG[Leu650Arg]REAFRAYRKW

ClinVar aggregate classification (germline): Likely pathogenic (1 of 4 stars; one submission).

Submission:

Labcorp Genetics (formerly Invitae), Labcorp
Classification: Likely pathogenic. Last evaluated: 2025-09-15. Review status: criteria provided, single submitter. Criteria: Invitae Variant Classification Sherloc (09022015). Collection method: clinical testing. Allele origin: germline.
Comment: This sequence change replaces leucine, which is neutral and non-polar, with arginine, which is basic and polar, at codon 650 of the PHEX protein (p.Leu650Arg). This variant is not present in population databases (gnomAD no frequency). This missense change has been observed in individual(s) with clinical features of hypophosphatemia (internal data). Invitae Evidence Modeling of protein sequence and biophysical properties (such as structural, functional, and spatial information, amino acid conservation, physicochemical variation, residue mobility, and thermodynamic stability) indicates that this missense variant is expected to disrupt PHEX protein function with a positive predictive value of 95%. This variant disrupts the p.Leu650 amino acid residue in PHEX. Other variant(s) that disrupt this residue have been determined to be pathogenic (PMID: 32252220, 34011663). This suggests that this residue is clinically significant, and that variants that disrupt this residue are likely to be disease-causing. In summary, the currently available evidence indicates that the variant is pathogenic, but additional data are needed to prove that conclusively. Therefore, this variant has been classified as Likely Pathogenic.

Literature cited by the submitters: PubMed 32252220; PubMed 34011663.